The following is an entry in ClinVar:

NM_000257.4(MYH7):c.1101G>T (p.Lys367Asn)

Gene: MYH7 (myosin heavy chain 7; minus strand). Cytogenetic location: 14q11.2.
Variant type: single nucleotide variant.
Coding change: c.1101G>T on transcript NM_000257.4 (MANE Select); coding-DNA position 1101, G replaced by T.
Protein change: p.Lys367Asn; replaces lysine 367 with asparagine.
Molecular consequence: missense variant.
Genome position (GRCh38, 1-based): chr14:23,429,812, C>A on the plus strand (G>T on the coding strand, the complement: MYH7 is on the minus strand). VCF-style: chr14-23429812-C-A. GRCh37 (hg19) VCF-style: chr14-23899021-C-A.
Other names: short protein forms K367N.
Identifiers: ClinVar variation 132931 (VCV000132931.2), dbSNP rs606231318, ClinGen allele CA010183.

ClinVar aggregate classification (germline): Likely pathogenic (0 of 4 stars; one submission).

Conditions:
Familial cardiomyopathy. Identifiers: MedGen C0264789, MONDO:0005217.

Submission:

Evolutionary and Medical Genetics Laboratory,  Centre for Cellular and Molecular Biology
Classification: Likely pathogenic. Review status: no assertion criteria provided. Collection method: not provided. Allele origin: unknown.
Comment: Missense mutation/Non-synonymous
ClinVar note: Converted during submission from probable-pathogenic to Likely pathogenic.